The following is an entry in ClinVar:

ClinVar aggregate classification (germline): Uncertain significance. Review status: criteria provided, multiple submitters, no conflicts (2 of 4 stars). 2 submissions from 2 submitters: Uncertain significance (2). Last evaluated 2026-07-08.

Conditions:
SCAPER-related disorder. Also called: SCAPER-related condition.
Inborn genetic diseases. Identifiers: MedGen C0950123, MeSH D030342.

Allele frequency attached by ClinVar (database versions not stated): ExAC 0.00002; gnomAD exomes 0.00002; TOPMed 0.00003; gnomAD 0.00006.
gnomAD v4.1: 40 of 1,610,352 alleles (0.0025%); highest among the groups gnomAD compares: South Asian, 0.012%; no homozygotes.

Submissions (2):

PreventionGenetics, part of Exact Sciences
Classification: Uncertain significance for SCAPER-related condition. Last evaluated: 2026-07-08. Review status: criteria provided, single submitter. Criteria: ACMG Guidelines, 2015. Collection method: clinical testing. Allele origin: germline.
Comment: The SCAPER c.2993A>G variant is predicted to result in the amino acid substitution p.Asn998Ser. To our knowledge, this variant has not been reported in the literature. This variant is reported in 0.010% of alleles in individuals of South Asian descent in gnomAD. This variant is referred to as p.Asn992Ser in the alternate transcript NM_020843. At this time, the clinical significance of this variant is uncertain due to the absence of conclusive functional and genetic evidence.

Ambry Genetics
Classification: Uncertain significance for Inborn genetic diseases. Last evaluated: 2025-04-18. Review status: criteria provided, single submitter. Criteria: Ambry Variant Classification Scheme 2023. Collection method: clinical testing. Allele origin: germline.

NM_020843.4(SCAPER):c.2975A>G (p.Asn992Ser)

Gene: SCAPER (S-phase cyclin A associated protein in the ER; minus strand). Cytogenetic location: 15q24.3.
Variant type: single nucleotide variant.
Coding change: c.2975A>G on transcript NM_020843.4 (MANE Select); coding-DNA position 2975, A replaced by G.
Protein change: p.Asn992Ser; replaces asparagine 992 with serine.
Molecular consequence: missense variant. On other transcripts: non-coding transcript variant (1).
Genome position (GRCh38, 1-based): chr15:76,471,315, T>C on the plus strand (A>G on the coding strand, the complement: SCAPER is on the minus strand). VCF-style: chr15-76471315-T-C. GRCh37 (hg19) VCF-style: chr15-76763656-T-C.
Other names: c.2237A>G, p.Asn746Ser (NM_001145923.2); c.2993A>G, p.Asn998Ser (NM_001353009.2); c.2573A>G, p.Asn858Ser (NM_001353010.2, NM_001353012.2); c.2591A>G, p.Asn864Ser (NM_001353011.2); c.2993A>G (NM_001353009.1); short protein forms N992S, N998S, N746S, N858S, N864S.
Identifiers: ClinVar variation 2217287 (VCV002217287.4), dbSNP rs763241150, ClinGen allele CA7674555.
Genomic context (GRCh38, chr15:76,471,315, plus strand): 5'-TTACTAAACAGAACATCACTGCAGTTTTCTGAACAGTTATTGCAGGTGAGGTTGTAAACA[T>C]TGATTGCATTGCAGAGAGACCTAAAAGAAGGAGAAAAACACCATTTATAAAACCCGAGCA-3'
Protein context (NP_065894.2, residues 982-1002): IPPKSLCNAI[Asn992Ser]VYNLTCNNCS